The following is an entry in ClinVar:

ClinVar aggregate classification (germline): Uncertain significance (1 of 4 stars; one submission).

Conditions:
Hereditary cancer-predisposing syndrome. Also called: Neoplastic Syndromes, Hereditary; Tumor predisposition; Hereditary Cancer Syndrome; Hereditary neoplastic syndrome. Identifiers: Orphanet 140162, MedGen C0027672, MeSH D009386, MONDO:0015356.

Submission:

Ambry Genetics
Classification: Uncertain significance for Hereditary cancer-predisposing syndrome. Last evaluated: 2025-11-19. Review status: criteria provided, single submitter. Criteria: Ambry Variant Classification Scheme 2023. Collection method: clinical testing. Allele origin: germline.
Comment: The p.K1374R variant (also known as c.4121A>G), located in coding exon 10 of the BRCA2 gene, results from an A to G substitution at nucleotide position 4121. The lysine at codon 1374 is replaced by arginine, an amino acid with highly similar properties. This amino acid position is conserved. In addition, this alteration is predicted to be tolerated by in silico analysis. Based on the available evidence, the clinical significance of this variant remains unclear.

NM_000059.4(BRCA2):c.4121A>G (p.Lys1374Arg)

Gene: BRCA2 (BRCA2 DNA repair associated; plus strand). Cytogenetic location: 13q13.1.
Variant type: single nucleotide variant.
Coding change: c.4121A>G on transcript NM_000059.4 (MANE Select); coding-DNA position 4121, A replaced by G.
Protein change: p.Lys1374Arg; replaces lysine 1374 with arginine.
Molecular consequence: missense variant. On other transcripts: non-coding transcript variant (1), intron variant (2).
Genome position (GRCh38, 1-based): chr13:32,338,476, A>G. VCF-style: chr13-32338476-A-G. GRCh37 (hg19) VCF-style: chr13-32912613-A-G.
Other names: c.4121A>G, p.Lys1374Arg (NM_001406719.1, NM_001406720.1, NM_001432077.1); c.1909+5089A>G (NM_001406721.1); c.425-6082A>G (NM_001406722.1); short protein forms K1374R.
Identifiers: ClinVar variation 4627417 (VCV004627417.1).